The following is an entry in ClinVar:

ClinVar aggregate classification (germline): Uncertain significance (1 of 4 stars; one submission).

Submission:

Labcorp Genetics (formerly Invitae), Labcorp
Classification: Uncertain significance. Last evaluated: 2025-04-09. Review status: criteria provided, single submitter. Criteria: Invitae Variant Classification Sherloc (09022015). Collection method: clinical testing. Allele origin: germline.
Comment: This sequence change replaces alanine, which is neutral and non-polar, with valine, which is neutral and non-polar, at codon 276 of the FAM111A protein (p.Ala276Val). This variant is not present in population databases (gnomAD no frequency). This variant has not been reported in the literature in individuals affected with FAM111A-related conditions. Invitae Evidence Modeling of protein sequence and biophysical properties (such as structural, functional, and spatial information, amino acid conservation, physicochemical variation, residue mobility, and thermodynamic stability) indicates that this missense variant is not expected to disrupt FAM111A protein function with a negative predictive value of 80%. In summary, the available evidence is currently insufficient to determine the role of this variant in disease. Therefore, it has been classified as a Variant of Uncertain Significance.

NM_001312909.2(FAM111A):c.827C>T (p.Ala276Val)

Gene: FAM111A (FAM111 trypsin like peptidase A; plus strand). Cytogenetic location: 11q12.1.
Variant type: single nucleotide variant.
Coding change: c.827C>T on transcript NM_001312909.2 (MANE Select); coding-DNA position 827, C replaced by T.
Protein change: p.Ala276Val; replaces alanine 276 with valine.
Molecular consequence: missense variant.
Genome position (GRCh38, 1-based): chr11:59,152,495, C>T. VCF-style: chr11-59152495-C-T. GRCh37 (hg19) VCF-style: chr11-58919968-C-T.
Other names: c.827C>T, p.Ala276Val (NM_001142519.3, NM_001142520.3, NM_001142521.3 and 29 more transcripts); short protein forms A276V.
Identifiers: ClinVar variation 4797393 (VCV004797393.1).